The following is an entry in ClinVar:

NM_006648.4(WNK2):c.6269C>A (p.Thr2090Asn)

Gene: WNK2 (WNK lysine deficient protein kinase 2; plus strand). Cytogenetic location: 9q22.31.
Variant type: single nucleotide variant.
Coding change: c.6269C>A on transcript NM_006648.4 (MANE Select); coding-DNA position 6269, C replaced by A.
Protein change: p.Thr2090Asn; replaces threonine 2090 with asparagine.
Molecular consequence: missense variant.
Genome position (GRCh38, 1-based): chr9:93,308,337, C>A. VCF-style: chr9-93308337-C-A. GRCh37 (hg19) VCF-style: chr9-96070619-C-A.
Other names: c.6380C>A, p.Thr2127Asn (NM_001282394.3); short protein forms T2127N, T2090N.
Identifiers: ClinVar variation 3817087 (VCV003817087.1).
Genomic context (GRCh38, chr9:93,308,337, plus strand): 5'-CCTGGGTGCGTGTGTGGCGTCACCAATCCTGGCCTGTGTGTGACTCCCCAGGGTCCTCCA[C>A]CAGCAGCCTGGCCCCAGGCCCTGAGCCAGGCCCCCAGCCCGCCCTGCACGTCCAGGCGCA-3'
Protein context (NP_006639.3, residues 2080-2100): LGKEHSSRSS[Thr2090Asn]SSLAPGPEPG

ClinVar aggregate classification (germline): Uncertain significance (1 of 4 stars; one submission).

gnomAD v4.1: 2 of 1,553,996 alleles (0.00013%); highest among the groups gnomAD compares: Non-Finnish European, 0.00017%; no homozygotes.

Submission:

Ambry Genetics
Classification: Uncertain significance. Last evaluated: 2025-02-15. Review status: criteria provided, single submitter. Criteria: Ambry Variant Classification Scheme 2023. Collection method: clinical testing. Allele origin: germline.
Comment: The p.T2090N variant (also known as c.6269C>A), located in coding exon 27 of the WNK2 gene, results from a C to A substitution at nucleotide position 6269. The threonine at codon 2090 is replaced by asparagine, an amino acid with similar properties. This amino acid position is conserved. In addition, this alteration is predicted to be tolerated by in silico analysis. Based on the available evidence, the clinical significance of this variant remains unclear.